The following is an entry in ClinVar:

ClinVar aggregate classification (germline): Benign/Likely benign. Review status: criteria provided, multiple submitters, no conflicts (2 of 4 stars). 4 submissions from 4 submitters: Benign (1); Likely benign (3). Last evaluated 2024-04-10.

Conditions:
Familial adenomatous polyposis 1 (FAP1). Also called: POLYPOSIS, ADENOMATOUS INTESTINAL; FAMILIAL ADENOMATOUS POLYPOSIS 1, ATTENUATED. Identifiers: MedGen C2713442, MONDO:0021056, OMIM 175100. Disease mechanism: loss of function.
Hereditary cancer-predisposing syndrome. Also called: Neoplastic Syndromes, Hereditary; Tumor predisposition; Hereditary neoplastic syndrome; Hereditary Cancer Syndrome. Identifiers: Orphanet 140162, MedGen C0027672, MeSH D009386, MONDO:0015356.

Allele frequency attached by ClinVar (database versions not stated): gnomAD exomes below 0.00001.
gnomAD v4.1: 1 of 1,613,282 alleles (0.000062%); highest among the groups gnomAD compares: Non-Finnish European, 0.000085%; no homozygotes.

Submissions (4):

Myriad Genetics, Inc.
Classification: Benign for Familial adenomatous polyposis 1. Last evaluated: 2024-04-10. Review status: criteria provided, single submitter. Criteria: Myriad Autosomal Dominant, Autosomal Recessive and X-Linked Classification Criteria (2023). Collection method: clinical testing. Allele origin: unknown.
Comment: This variant is considered benign. This variant is a silent/synonymous amino acid change and it is not expected to impact splicing.

Labcorp Genetics (formerly Invitae), Labcorp
Classification: Likely benign for Familial adenomatous polyposis 1. Last evaluated: 2023-06-21. Review status: criteria provided, single submitter. Criteria: Invitae Variant Classification Sherloc (09022015). Collection method: clinical testing. Allele origin: germline.

Color Diagnostics, LLC DBA Color Health
Classification: Likely benign for Hereditary cancer-predisposing syndrome. Last evaluated: 2018-11-27. Review status: criteria provided, single submitter. Criteria: ACMG Guidelines, 2015. Collection method: clinical testing. Allele origin: germline.

Ambry Genetics
Classification: Likely benign for Hereditary cancer-predisposing syndrome. Last evaluated: 2018-03-30. Review status: criteria provided, single submitter. Criteria: Ambry Variant Classification Scheme 2023. Collection method: clinical testing. Allele origin: germline.

NM_000038.6(APC):c.7743T>C (p.Ser2581=)

Gene: APC (APC regulator of Wnt signaling pathway; plus strand). Cytogenetic location: 5q22.2.
Variant type: single nucleotide variant.
Coding change: c.7743T>C on transcript NM_000038.6 (MANE Select); coding-DNA position 7743, T replaced by C.
Protein change: p.Ser2581=; no amino-acid change (serine 2581 retained).
Molecular consequence: synonymous variant.
Genome position (GRCh38, 1-based): chr5:112,843,337, T>C. VCF-style: chr5-112843337-T-C. GRCh37 (hg19) VCF-style: chr5-112179034-T-C.
Other names: c.7743T>C, p.Ser2581= (NM_001127510.3, NM_001354895.2); c.7689T>C, p.Ser2563= (NM_001127511.3); c.7797T>C, p.Ser2599= (NM_001354896.2); c.7773T>C, p.Ser2591= (NM_001354897.2); c.7668T>C, p.Ser2556= (NM_001354898.2); c.7659T>C, p.Ser2553= (NM_001354899.2); c.7620T>C, p.Ser2540= (NM_001354900.2); c.7566T>C, p.Ser2522= (NM_001354901.2); and 5 more.
Identifiers: ClinVar variation 827234 (VCV000827234.12), dbSNP rs1291847947, ClinGen allele CA446211189.